The following is an entry in ClinVar:

ClinVar aggregate classification (germline): Uncertain significance. Review status: criteria provided, multiple submitters, no conflicts (2 of 4 stars). 2 submissions from 2 submitters: Uncertain significance (2). Last evaluated 2025-01-01.

Conditions:
Brugada syndrome 8 (BRGDA8). Identifiers: Orphanet 130, MedGen C2751083, MONDO:0013148, OMIM 613123.
Cardiovascular phenotype. Identifiers: MedGen CN230736.

Allele frequency attached by ClinVar (database versions not stated): gnomAD exomes below 0.00001; gnomAD 0.00001; TOPMed 0.00001.
gnomAD v4.1: 3 of 1,594,642 alleles (0.00019%); highest among the groups gnomAD compares: African/African-American, 0.004%; no homozygotes.

Submissions (2):

Labcorp Genetics (formerly Invitae), Labcorp
Classification: Uncertain significance for Brugada syndrome 8. Last evaluated: 2025-01-01. Review status: criteria provided, single submitter. Criteria: Invitae Variant Classification Sherloc (09022015). Collection method: clinical testing. Allele origin: germline.
Comment: This sequence change replaces valine, which is neutral and non-polar, with methionine, which is neutral and non-polar, at codon 184 of the HCN4 protein (p.Val184Met). This variant is not present in population databases (gnomAD no frequency). This variant has not been reported in the literature in individuals affected with HCN4-related conditions. ClinVar contains an entry for this variant (Variation ID: 942638). Invitae Evidence Modeling of protein sequence and biophysical properties (such as structural, functional, and spatial information, amino acid conservation, physicochemical variation, residue mobility, and thermodynamic stability) indicates that this missense variant is not expected to disrupt HCN4 protein function with a negative predictive value of 95%. In summary, the available evidence is currently insufficient to determine the role of this variant in disease. Therefore, it has been classified as a Variant of Uncertain Significance.

Ambry Genetics
Classification: Uncertain significance for Cardiovascular phenotype. Last evaluated: 2022-11-07. Review status: criteria provided, single submitter. Criteria: Ambry Variant Classification Scheme 2023. Collection method: clinical testing. Allele origin: germline.
Comment: The p.V184M variant (also known as c.550G>A), located in coding exon 1 of the HCN4 gene, results from a G to A substitution at nucleotide position 550. The valine at codon 184 is replaced by methionine, an amino acid with highly similar properties. This amino acid position is poorly conserved in available vertebrate species. In addition, this alteration is predicted to be tolerated by in silico analysis. Since supporting evidence is limited at this time, the clinical significance of this alteration remains unclear.

NM_005477.3(HCN4):c.550G>A (p.Val184Met)

Gene: HCN4 (hyperpolarization activated cyclic nucleotide gated potassium channel 4; minus strand). Cytogenetic location: 15q24.1.
Variant type: single nucleotide variant.
Coding change: c.550G>A on transcript NM_005477.3 (MANE Select); coding-DNA position 550, G replaced by A.
Protein change: p.Val184Met; replaces valine 184 with methionine.
Molecular consequence: missense variant.
Genome position (GRCh38, 1-based): chr15:73,367,721, C>T on the plus strand (G>A on the coding strand, the complement: HCN4 is on the minus strand). VCF-style: chr15-73367721-C-T. GRCh37 (hg19) VCF-style: chr15-73660062-C-T.
Other names: short protein forms V184M.
Identifiers: ClinVar variation 942638 (VCV000942638.9), dbSNP rs1450435726, ClinGen allele CA393097672.